The following is an entry in ClinVar:

NM_000719.7(CACNA1C):c.-28C>T

Gene: CACNA1C (calcium voltage-gated channel subunit alpha1 C; plus strand). Cytogenetic location: 12p13.33.
Variant type: single nucleotide variant.
Coding change: c.-28C>T on transcript NM_000719.7 (MANE Select); 28 bases upstream of the start codon, C replaced by T.
Molecular consequence: 5 prime UTR variant.
Genome position (GRCh38, 1-based): chr12:2,053,535, C>T. VCF-style: chr12-2053535-C-T. GRCh37 (hg19) VCF-style: chr12-2162701-C-T.
Other names: c.-28C>T (NM_001129827.2, NM_001129829.2, NM_001129830.3 and 19 more transcripts).
Identifiers: ClinVar variation 507911 (VCV000507911.1), dbSNP rs989994685, ClinGen allele CA231906460.
Genomic context (GRCh38, chr12:2,053,535, plus strand): 5'-AGGAGGGATTAATCCAGACCCGCCGGGGGGTGTTTTCACATTTCTTCCTCTTCGTGGCTG[C>T]TCCTCCTATTAAAACCATTTTTGGTCCATGGTCAATGAGAATACGAGGATGTACATTCCA-3'

ClinVar aggregate classification (germline): Likely benign (1 of 4 stars; one submission).

Allele frequency attached by ClinVar (database versions not stated): gnomAD 0.00004; gnomAD exomes 0.00003; TOPMed 0.00003 and 0.00008.
gnomAD v4.1: 12 of 1,575,392 alleles (0.00076%); highest among the groups gnomAD compares: Admixed American, 0.022%; no homozygotes.

Submission:

GeneDx
Classification: Likely benign. Last evaluated: 2017-03-14. Review status: criteria provided, single submitter. Criteria: GeneDx Variant Classification (06012015). Collection method: clinical testing. Allele origin: germline. Affected: yes.
Comment: This variant is considered likely benign or benign based on one or more of the following criteria: it is a conservative change, it occurs at a poorly conserved position in the protein, it is predicted to be benign by multiple in silico algorithms, and/or has population frequency not consistent with disease.